The following continues an entry in ClinVar:

NM_007294.4(BRCA1):c.2584A>G (p.Lys862Glu)

Gene: BRCA1. ClinVar aggregate classification (germline): Benign. Benign (1).

Submissions 15 to 20 of 20:

PreventionGenetics, part of Exact Sciences
Classification: Likely benign for BRCA1-related condition. Last evaluated: 2019-09-24. Review status: no assertion criteria provided. Collection method: clinical testing. Allele origin: germline. Not counted in ClinVar's aggregate classification.
Comment: This variant is classified as likely benign based on ACMG/AMP sequence variant interpretation guidelines (Richards et al. 2015 PMID: 25741868, with internal and published modifications).

Sharing Clinical Reports Project (SCRP)
Classification: Benign for Breast-ovarian cancer, familial 1. Last evaluated: 2010-02-10. Review status: no assertion criteria provided. Collection method: clinical testing. Allele origin: germline. Not counted in ClinVar's aggregate classification.

Breast Cancer Information Core (BIC) (BRCA1)
Classification: Uncertain significance for Breast-ovarian cancer, familial 1. Last evaluated: 2002-05-29. Review status: no assertion criteria provided. Collection method: clinical testing. Allele origin: germline. Affected: yes. Observed: 5 variant alleles. Not counted in ClinVar's aggregate classification.

Clinical Genetics Laboratory, Department of Pathology, Netherlands Cancer Institute
Classification: Likely benign. Review status: no assertion criteria provided. Collection method: clinical testing. Allele origin: germline. Affected: yes. Study: VKGL Data-share Consensus. Not counted in ClinVar's aggregate classification.

Department of Pathology and Laboratory Medicine, Sinai Health System
Classification: Likely benign for Malignant tumor of breast. Review status: no assertion criteria provided. Collection method: clinical testing. Allele origin: unknown. Affected: yes. Study: The Canadian Open Genetics Repository (COGR). Not counted in ClinVar's aggregate classification.
Comment: The BRCA1 p.Lys862Glu variant was identified in 8 of 111260 proband chromosomes (frequency: 0.00007) from individuals or families with breast cancer (Judkins 2005). The variant was also identified in dbSNP (ID: rs80356927) as â€šÃ„ÃºWith Likely benign alleleâ€šÃ„Ã¹, Clinvitae database (classified as benign by ClinVar; classified as likely benign by ClinVar, Invitae), Fanconi Anemia Mutation Database (LOVD), ARUP Laboratories BRCA Mutations Database (classified as not pathogenic or of no clinical significance), the ClinVar database (classified as benign by ENIGMA, Ambry genetics, SCRP; classified as likely benign by Invitae, GeneDx; classified as uncertain significance by BIC), the BIC database (5x with unknown clinical importance), and UMD (12x with a â€šÃ„Ãºlikely neutralâ€šÃ„Ã¹ classification). This variant was identified in the Exome Aggregation Consortium database (August 8th 2016) in 12 of 121328 chromosomes (freq. 0.0001) in the following populations: European in 8 of 66696 chromosomes (freq. 0.0001), Asian in 3 of 16502 chromosomes (freq. 0.0002), Finnish in 1 of 6614 chromosomes (freq. 0.0002), but was not seen in African, Latino and Other populations. The p.Lys862 residue is not conserved in mammals and four out of five computational analyses (PolyPhen-2, SIFT, AlignGVGD, BLOSUM, MutationTaster) do not suggest a high likelihood of impact to the protein; however, this information is not predictive enough to rule out pathogenicity. The variant occurs outside of the splicing consensus sequence and in silico or computational prediction software programs (SpliceSiteFinder, MaxEntScan, NNSPLICE, GeneSplicer, HumanSpliceFinder) do not predict a difference in splicing. The variant was also classified as neutral with odds in favor of neutrality 2059 in a study utilizing evidence of co-occurrence with a pathogenic variant, family history and if available segregation of the variant with disease (Easton 2007). The variant was also found to have a probability of being deleterious of 9.91âˆšÃ³10â€šÃ Ã­6 in a similar study (Lindor 2012). In addition, a study by Burk-Herrick (2005) found the variant has no effect by analyzing 19 marsupials and 94 eutherian mammal sequences, which were used to rank oncogenic risk of missence mutations based on conservation. In summary, based on the above information, the clinical significance of this variant cannot be determined with certainty at this time although we would lean towards a more benign role for this variant. This variant is classified as likely benign.

Joint Genome Diagnostic Labs from Nijmegen and Maastricht, Radboudumc and MUMC+
Classification: Benign. Review status: no assertion criteria provided. Collection method: clinical testing. Allele origin: germline. Affected: yes. Study: VKGL Data-share Consensus. Not counted in ClinVar's aggregate classification.

Literature cited by the submitters: PubMed 21990134 (cited by 3 submitters); PubMed 31422574 (cited by Quest Diagnostics Nichols Institute San Juan Capistrano and Women's Health and Genetics/Laboratory Corporation of America, LabCorp); PubMed 30584090 (cited by Quest Diagnostics Nichols Institute San Juan Capistrano and Women's Health and Genetics/Laboratory Corporation of America, LabCorp); PubMed 26306726 (cited by Quest Diagnostics Nichols Institute San Juan Capistrano and Women's Health and Genetics/Laboratory Corporation of America, LabCorp); PubMed 18951461 (cited by Quest Diagnostics Nichols Institute San Juan Capistrano); PubMed 20513136 (cited by Quest Diagnostics Nichols Institute San Juan Capistrano); PubMed 33087888 (cited by Quest Diagnostics Nichols Institute San Juan Capistrano); PubMed 31911673 (cited by Quest Diagnostics Nichols Institute San Juan Capistrano); PubMed 33432171 (cited by Quest Diagnostics Nichols Institute San Juan Capistrano); PubMed 29453630 (cited by Quest Diagnostics Nichols Institute San Juan Capistrano); PubMed 18779604 (cited by Quest Diagnostics Nichols Institute San Juan Capistrano and Women's Health and Genetics/Laboratory Corporation of America, LabCorp); PubMed 22753008 (cited by Quest Diagnostics Nichols Institute San Juan Capistrano and Women's Health and Genetics/Laboratory Corporation of America, LabCorp); PubMed 16267036 (cited by Quest Diagnostics Nichols Institute San Juan Capistrano and Women's Health and Genetics/Laboratory Corporation of America, LabCorp); PubMed 17924331 (cited by Quest Diagnostics Nichols Institute San Juan Capistrano and Women's Health and Genetics/Laboratory Corporation of America, LabCorp); PubMed 16518693 (cited by Quest Diagnostics Nichols Institute San Juan Capistrano and Women's Health and Genetics/Laboratory Corporation of America, LabCorp); PubMed 10866029 (cited by Women's Health and Genetics/Laboratory Corporation of America, LabCorp); PubMed 18273839 (cited by Women's Health and Genetics/Laboratory Corporation of America, LabCorp); PubMed 25682074 (cited by Women's Health and Genetics/Laboratory Corporation of America, LabCorp).